The following is an entry in ClinVar:

NC_000014.9:g.(?_104792588)_(104792643_?)dup

Gene: AKT1 (AKT serine/threonine kinase 1; minus strand). Cytogenetic location: 14q32.33.
Variant type: Duplication.
Identifiers: ClinVar variation 831024 (VCV000831024.5).

ClinVar aggregate classification (germline): Uncertain significance (1 of 4 stars; one submission).

Conditions:
Cowden syndrome 6 (CWS6). Identifiers: Orphanet 201, MedGen C3554519, MONDO:0014048, OMIM 615109.

Submission:

Labcorp Genetics (formerly Invitae), Labcorp
Classification: Uncertain significance for Cowden syndrome 6. Last evaluated: 2022-12-24. Review status: criteria provided, single submitter. Criteria: Invitae Variant Classification Sherloc (09022015). Collection method: clinical testing. Allele origin: germline.
Comment: In summary, the available evidence is currently insufficient to determine the role of this variant in disease. Therefore, it has been classified as a Variant of Uncertain Significance. Experimental studies and prediction algorithms are not available or were not evaluated, and the functional significance of this variant is currently unknown. This variant has not been reported in the literature in individuals affected with AKT1-related conditions. This variant results in a copy number gain of the genomic region encompassing exon(s) 2 of the AKT1 gene. This region includes the initiator codon of the gene. This copy number gain extends beyond the assayed region for this gene and therefore may encompass additional genes. As the precise location of this event is unknown, it may be in tandem or it may be located elsewhere in the genome.